The following is an entry in ClinVar:

NM_201378.4(PLEC):c.71-3797C>G

Genes: PLEC (plectin; minus strand), LOC130001342 (ATAC-STARR-seq lymphoblastoid silent region 19633; plus strand). Cytogenetic location: 8q24.3.
Variant type: single nucleotide variant.
Coding change: c.71-3797C>G on transcript NM_201378.4 (MANE Plus Clinical); 3797 bases into the intron before coding-DNA position 71, C replaced by G.
Molecular consequence: intron variant. On other transcripts: synonymous variant (1).
Genome position (GRCh38, 1-based): chr8:143,942,489, G>C on the plus strand (C>G on the coding strand, the complement: PLEC is on the minus strand). VCF-style: chr8-143942489-G-C. GRCh37 (hg19) VCF-style: chr8-145016657-G-C.
Other names: c.27C>G, p.Ala9= (NM_201383.3); c.194-3797C>G (NM_001410941.1, NM_000445.5); c.47-3797C>G (NM_201379.3); c.524-3797C>G (NM_201380.4); c.16+2159C>G (NM_201381.3); c.112+1290C>G (NM_201382.4).
Identifiers: ClinVar variation 995209 (VCV000995209.37), dbSNP rs190108480, ClinGen allele CA4928749.

ClinVar aggregate classification (germline): Benign/Likely benign. Review status: criteria provided, multiple submitters, no conflicts (2 of 4 stars). 5 submissions from 5 submitters: Benign (1); Likely benign (3). 1 of the submissions does not count toward it. Last evaluated 2026-08-01.

Conditions:
PLEC-related disorder. Also called: PLEC-related condition; PLEC-related disorders.

Allele frequency attached by ClinVar (database versions not stated): 1000 Genomes Project 0.00140; 1000 Genomes Project 30x 0.00156; TOPMed 0.00310; ExAC 0.00547; ESP Exome Variant Server 0.00391.
gnomAD v4.1: 7,111 of 1,590,230 alleles (0.45%); highest among the groups gnomAD compares: Non-Finnish European, 0.53%; 28 homozygotes.

Submissions (5):

CeGaT Center for Human Genetics Tuebingen
Classification: Likely benign. Last evaluated: 2026-08-01. Review status: criteria provided, single submitter. Criteria: CeGaT Center For Human Genetics Tuebingen Variant Classification Criteria Version 2. Collection method: clinical testing. Allele origin: germline. Affected: yes. Observed: 28 variant alleles.
Comment: PLEC: BP4, BP7, BS2

Blueprint Genetics
Classification: Likely benign. Last evaluated: 2024-11-27. Review status: criteria provided, single submitter. Criteria: ACMG Guidelines, 2015. Collection method: clinical testing. Allele origin: germline.

Athena Diagnostics
Classification: Benign. Last evaluated: 2023-12-29. Review status: criteria provided, single submitter. Criteria: Athena Diagnostics Criteria. Collection method: clinical testing. Allele origin: unknown.

Breakthrough Genomics
Classification: Likely benign. Review status: criteria provided, single submitter. Criteria: ACMG Guidelines, 2015. Collection method: not provided. Allele origin: germline. Inheritance: Autosomal recessive inheritance. Affected: yes.

PreventionGenetics, part of Exact Sciences
Classification: Likely benign for PLEC-related condition. Last evaluated: 2019-10-31. Review status: no assertion criteria provided. Collection method: clinical testing. Allele origin: germline. Not counted in ClinVar's aggregate classification.
Comment: This variant is classified as likely benign based on ACMG/AMP sequence variant interpretation guidelines (Richards et al. 2015 PMID: 25741868, with internal and published modifications).